The following is an entry in ClinVar:

ClinVar aggregate classification (germline): Pathogenic (1 of 4 stars; one submission).

Submission:

GeneDx
Classification: Pathogenic. Last evaluated: 2019-09-05. Review status: criteria provided, single submitter. Criteria: GeneDx Variant Classification Process June 2021. Collection method: clinical testing. Allele origin: germline. Affected: yes.
Comment: Frameshift variant predicted to result in protein truncation or nonsense mediated decay in a gene for which loss-of-function is a known mechanism of disease; Not observed in large population cohorts (Lek et al., 2016); Has not been previously published as pathogenic or benign to our knowledge

NM_001378418.1(TCF20):c.5173dup (p.Tyr1725fs)

Gene: TCF20 (transcription factor 20; minus strand). Cytogenetic location: 22q13.2.
Variant type: Duplication.
Coding change: c.5173dup on transcript NM_001378418.1 (MANE Select); coding-DNA position 5173, one base duplicated (T; older notation c.5173dupT).
Protein change: p.Tyr1725fs; shifts the reading frame from tyrosine 1725.
Molecular consequence: frameshift variant.
Genome position (GRCh38, 1-based): chr22:42,210,133, A duplicated on the plus strand (T on the coding strand, the reverse complement: TCF20 is on the minus strand); the first of 5 consecutive A bases (chr22:42,210,133-42,210,137); duplicating any one gives the same sequence. VCF-style (leftmost placement, unchanged base first): chr22-42210132-T-TA. GRCh37 (hg19) VCF-style: chr22-42606138-T-TA.
Other names: c.5173dup, p.Tyr1725fs (NM_005650.4, NM_181492.3); short protein forms Y1725fs.
Identifiers: ClinVar variation 1201429 (VCV001201429.3), dbSNP rs2147196175, ClinGen allele CA2499226196.